The following is an entry in ClinVar:

ClinVar aggregate classification (germline): Uncertain significance. Review status: criteria provided, multiple submitters, no conflicts (2 of 4 stars). 2 submissions from 2 submitters: Uncertain significance (2). Last evaluated 2025-01-28.

Conditions:
Classic or attenuated familial adenomatous polyposis. Identifiers: MedGen CN372698, MONDO:0021057.
Hereditary cancer-predisposing syndrome. Also called: Neoplastic Syndromes, Hereditary; Tumor predisposition; Hereditary neoplastic syndrome; Hereditary Cancer Syndrome. Identifiers: Orphanet 140162, MedGen C0027672, MeSH D009386, MONDO:0015356.

Allele frequency attached by ClinVar (database versions not stated): gnomAD exomes below 0.00001.
gnomAD v4.1: 1 of 1,614,052 alleles (0.000062%); highest among the groups gnomAD compares: East Asian, 0.0022%; no homozygotes.

Submissions (2):

Ambry Genetics
Classification: Uncertain significance for Hereditary cancer-predisposing syndrome. Last evaluated: 2025-01-28. Review status: criteria provided, single submitter. Criteria: Ambry Variant Classification Scheme 2023. Collection method: clinical testing. Allele origin: germline.
Comment: The p.R1523T variant (also known as c.4568G>C), located in coding exon 15 of the APC gene, results from a G to C substitution at nucleotide position 4568. The arginine at codon 1523 is replaced by threonine, an amino acid with similar properties. This amino acid position is well conserved in available vertebrate species. In addition, in silico predictors for this gene do not accurately predict pathogenicity. Missense alterations in APC are not a common cause of disease (Spier I et al. Genet Med. 2024 Feb;26(2):100992). Based on the available evidence, the clinical significance of this variant remains unclear.

All of Us Research Program, National Institutes of Health
Classification: Uncertain significance for Classic or attenuated familial adenomatous polyposis. Last evaluated: 2023-12-18. Review status: criteria provided, single submitter. Criteria: ACMG Guidelines, 2015. Collection method: clinical testing. Allele origin: germline. Inheritance: Autosomal dominant inheritance. Observed: 1 variant allele, 1 heterozygote.
Comment: This missense variant replaces arginine with threonine at codon 1523 of the APC protein. Computational prediction is inconclusive regarding the impact of this variant on protein structure and function (internally defined REVEL score threshold 0.5 < inconclusive < 0.7, PMID: 27666373). To our knowledge, functional studies have not been reported for this variant. This variant has not been reported in individuals affected with APC-related disorders in the literature. This variant has not been identified in the general population by the Genome Aggregation Database (gnomAD). The available evidence is insufficient to determine the role of this variant in disease conclusively. Therefore, this variant is classified as a Variant of Uncertain Significance.

This study involves interpretation of variants in research participants for the purpose of population health screening. Participant phenotype was not available at the time of variant classification. Additional details can be found in publication PMID: 35346344, PMCID: PMC8962531

NM_000038.6(APC):c.4568G>C (p.Arg1523Thr)

Gene: APC (APC regulator of Wnt signaling pathway; plus strand). Cytogenetic location: 5q22.2.
Variant type: single nucleotide variant.
Coding change: c.4568G>C on transcript NM_000038.6 (MANE Select); coding-DNA position 4568, G replaced by C.
Protein change: p.Arg1523Thr; replaces arginine 1523 with threonine.
Molecular consequence: missense variant. On other transcripts: non-coding transcript variant (2).
Genome position (GRCh38, 1-based): chr5:112,840,162, G>C. VCF-style: chr5-112840162-G-C. GRCh37 (hg19) VCF-style: chr5-112175859-G-C.
Other names: c.4568G>C, p.Arg1523Thr (NM_001127510.3, NM_001354895.2, NM_001407450.1); c.4514G>C, p.Arg1505Thr (NM_001127511.3); c.4622G>C, p.Arg1541Thr (NM_001354896.2, NM_001407447.1, NM_001407448.1 and 1 more transcripts); c.4598G>C, p.Arg1533Thr (NM_001354897.2); c.4493G>C, p.Arg1498Thr (NM_001354898.2); c.4484G>C, p.Arg1495Thr (NM_001354899.2); c.4445G>C, p.Arg1482Thr (NM_001354900.2); c.4391G>C, p.Arg1464Thr (NM_001354901.2, NM_001407453.1); and 12 more; short protein forms R1139T, R1240T, R1363T, R1394T, R1397T, R1422T, R1432T, R1440T.
Identifiers: ClinVar variation 3075065 (VCV003075065.2), dbSNP rs1765711315, ClinGen allele CA16031333.
Genomic context (GRCh38, chr5:112,840,162, plus strand): 5'-CATCCAGCCTGAGTGCTCTGAGCCTCGATGAGCCATTTATACAGAAAGATGTGGAATTAA[G>C]AATAATGCCTCCAGTTCAGGAAAATGACAATGGGAATGAAACAGAATCAGAGCAGCCTAA-3'
Protein context (NP_000029.2, residues 1513-1533): EPFIQKDVEL[Arg1523Thr]IMPPVQENDN